The following is an entry in ClinVar:

NM_001164508.2(NEB):c.19801G>A (p.Val6601Met)

Gene: NEB (nebulin; minus strand). Cytogenetic location: 2q23.3.
Variant type: single nucleotide variant.
Coding change: c.19801G>A on transcript NM_001164508.2 (MANE Select); coding-DNA position 19801, G replaced by A.
Protein change: p.Val6601Met; replaces valine 6601 with methionine.
Molecular consequence: missense variant.
Genome position (GRCh38, 1-based): chr2:151,552,707, C>T on the plus strand (G>A on the coding strand, the complement: NEB is on the minus strand). VCF-style: chr2-151552707-C-T. GRCh37 (hg19) VCF-style: chr2-152409221-C-T.
Other names: c.14698G>A (NM_004543.4); c.19801G>A, p.Val6601Met (NM_001164507.2, NM_001271208.2); c.14698G>A, p.Val4900Met (NM_004543.5); short protein forms V6601M, V4900M.
Identifiers: ClinVar variation 649042 (VCV000649042.25), dbSNP rs553079055, ClinGen allele CA1907530.

ClinVar aggregate classification (germline): Conflicting classifications of pathogenicity. Review status: criteria provided, conflicting classifications (1 of 4 stars). 6 submissions from 6 submitters: Uncertain significance (4); Likely benign (1). 1 of the submissions does not count toward it. Last evaluated 2026-01-05.

Conditions:
Inborn genetic diseases. Identifiers: MedGen C0950123, MeSH D030342.
Nemaline myopathy 2 (NEM2). Also called: Nemaline myopathy 2, autosomal recessive. Identifiers: MedGen C1850569, MONDO:0009725, OMIM 256030.

Allele frequency attached by ClinVar (database versions not stated): gnomAD 0.00003 and 0.00004; TOPMed 0.00006; ExAC 0.00013; gnomAD exomes 0.00013; 1000 Genomes Project 0.00040; 1000 Genomes Project 30x 0.00047.
gnomAD v4.1: 92 of 1,613,322 alleles (0.0057%); highest among the groups gnomAD compares: Admixed American, 0.033%; no homozygotes.

Submissions (6):

Labcorp Genetics (formerly Invitae), Labcorp
Classification: Likely benign for Nemaline myopathy 2. Last evaluated: 2026-01-05. Review status: criteria provided, single submitter. Criteria: Invitae Variant Classification Sherloc (09022015). Collection method: clinical testing. Allele origin: germline.

Women's Health and Genetics/Laboratory Corporation of America, LabCorp
Classification: Uncertain significance. Last evaluated: 2025-09-09. Review status: criteria provided, single submitter. Criteria: LabCorp Variant Classification Summary - May 2015. Collection method: clinical testing. Allele origin: germline.
Comment: Variant summary: NEB c.19801G>A (p.Val6601Met) results in a conservative amino acid change in the encoded protein sequence. Algorithms developed to predict the effect of missense changes on protein structure and function are either unavailable or do not agree on the potential impact of this missense change. The variant allele was found at a frequency of 0.00013 in 248476 control chromosomes. This frequency is not significantly higher than estimated for disease-causing variants in NEB, allowing no conclusion about variant significance. To our knowledge, no occurrence of c.19801G>A in individuals affected with NEB-related conditions and no experimental evidence demonstrating its impact on protein function have been reported. ClinVar contains an entry for this variant (Variation ID: 649042). Based on the evidence outlined above, the variant was classified as uncertain significance.

CeGaT Center for Human Genetics Tuebingen
Classification: Uncertain significance. Last evaluated: 2025-04-01. Review status: criteria provided, single submitter. Criteria: CeGaT Center For Human Genetics Tuebingen Variant Classification Criteria Version 2. Collection method: clinical testing. Allele origin: germline. Affected: yes. Observed: 1 variant allele.

Ambry Genetics
Classification: Uncertain significance for Inborn genetic diseases. Last evaluated: 2024-12-15. Review status: criteria provided, single submitter. Criteria: Ambry Variant Classification Scheme 2023. Collection method: clinical testing. Allele origin: germline.

Revvity Omics, Revvity
Classification: Uncertain significance. Last evaluated: 2019-10-01. Review status: criteria provided, single submitter. Criteria: ACMG Guidelines, 2015. Collection method: clinical testing. Allele origin: germline.

Natera, Inc.
Classification: Uncertain significance for Nemaline myopathy type 2. Last evaluated: 2020-09-16. Review status: no assertion criteria provided. Collection method: clinical testing. Allele origin: germline. Not counted in ClinVar's aggregate classification.